The following is an entry in ClinVar:

NM_002906.4(RDX):c.796-9T>C

Gene: RDX (radixin; minus strand). Cytogenetic location: 11q22.3.
Variant type: single nucleotide variant.
Coding change: c.796-9T>C on transcript NM_002906.4 (MANE Select); 9 bases into the intron before coding-DNA position 796, T replaced by C.
Molecular consequence: intron variant.
Genome position (GRCh38, 1-based): chr11:110,254,118, A>G on the plus strand (T>C on the coding strand, the complement: RDX is on the minus strand). VCF-style: chr11-110254118-A-G. GRCh37 (hg19) VCF-style: chr11-110124843-A-G.
Other names: c.796-9T>C (NM_001260493.2, NM_001260492.2); c.-82-6285T>C (NM_001260495.2); c.404+4039T>C (NM_001260496.2); c.388-9T>C (NM_001260494.2).
Identifiers: ClinVar variation 513899 (VCV000513899.8), dbSNP rs375047913, ClinGen allele CA6270205.
Genomic context (GRCh38, chr11:110,254,118, plus strand): 5'-AGGCCAAAATCCGCTTATTGATTCTCAGACGAGGTGCATAAAACACAAAATCCTAAACAT[A>G]AAGTATTCTGAATTTAAAATCTTCCTCAAGGATACTGTCTCTCATAACAATCTGTACTAA-3'

ClinVar aggregate classification (germline): Likely benign. Review status: criteria provided, multiple submitters, no conflicts (2 of 4 stars). 3 submissions from 3 submitters: Likely benign (2). 1 of the submissions does not count toward it. Last evaluated 2025-11-10.

Conditions:
RDX-related disorder. Also called: RDX-related condition.

Allele frequency attached by ClinVar (database versions not stated): gnomAD exomes 0.00005 and 0.00015; 1000 Genomes Project 30x 0.00016; ExAC 0.00018; 1000 Genomes Project 0.00020; gnomAD 0.00049 and 0.00051; TOPMed 0.00054; ESP Exome Variant Server 0.00085.
gnomAD v4.1: 151 of 1,611,668 alleles (0.0094%); highest among the groups gnomAD compares: African/African-American, 0.15%; no homozygotes.

Submissions (3):

Labcorp Genetics (formerly Invitae), Labcorp
Classification: Likely benign. Last evaluated: 2025-11-10. Review status: criteria provided, single submitter. Criteria: Invitae Variant Classification Sherloc (09022015). Collection method: clinical testing. Allele origin: germline.

GeneDx
Classification: Likely benign. Last evaluated: 2020-06-29. Review status: criteria provided, single submitter. Criteria: GeneDx Variant Classification Process June 2021. Collection method: clinical testing. Allele origin: germline. Affected: yes.

PreventionGenetics, part of Exact Sciences
Classification: Likely benign for RDX-related condition. Last evaluated: 2021-01-04. Review status: no assertion criteria provided. Collection method: clinical testing. Allele origin: germline. Not counted in ClinVar's aggregate classification.
Comment: This variant is classified as likely benign based on ACMG/AMP sequence variant interpretation guidelines (Richards et al. 2015 PMID: 25741868, with internal and published modifications).